The following is an entry in ClinVar:

NM_001211.6(BUB1B):c.2313A>T (p.Glu771Asp)

Gene: BUB1B (BUB1 mitotic checkpoint serine/threonine kinase B; plus strand). Cytogenetic location: 15q15.1.
Variant type: single nucleotide variant.
Coding change: c.2313A>T on transcript NM_001211.6 (MANE Select); coding-DNA position 2313, A replaced by T.
Protein change: p.Glu771Asp; replaces glutamic acid 771 with aspartic acid.
Molecular consequence: missense variant.
Genome position (GRCh38, 1-based): chr15:40,210,138, A>T. VCF-style: chr15-40210138-A-T. GRCh37 (hg19) VCF-style: chr15-40502339-A-T.
Other names: short protein forms E771D.
Identifiers: ClinVar variation 4842704 (VCV004842704.1).

ClinVar aggregate classification (germline): Uncertain significance (1 of 4 stars; one submission).

Conditions:
Inborn genetic diseases. Identifiers: MedGen C0950123, MeSH D030342.

gnomAD v4.1: 2 of 1,612,344 alleles (0.00012%); highest among the groups gnomAD compares: Non-Finnish European, 0.00017%; no homozygotes.

Submission:

Ambry Genetics
Classification: Uncertain significance for Inborn genetic diseases. Last evaluated: 2025-12-27. Review status: criteria provided, single submitter. Criteria: Ambry Variant Classification Scheme 2023. Collection method: clinical testing. Allele origin: germline.
Comment: The p.E771D variant (also known as c.2313A>T), located in coding exon 18 of the BUB1B gene, results from an A to T substitution at nucleotide position 2313. The glutamic acid at codon 771 is replaced by aspartic acid, an amino acid with highly similar properties. This amino acid position is conserved. In addition, this alteration is predicted to be tolerated by in silico analysis. Based on the available evidence, the clinical significance of this variant remains unclear.